The following is an entry in ClinVar:

NM_001367624.2(ZNF469):c.1294C>G (p.Pro432Ala)

Gene: ZNF469 (zinc finger protein 469; plus strand). Cytogenetic location: 16q24.2.
Variant type: single nucleotide variant.
Coding change: c.1294C>G on transcript NM_001367624.2 (MANE Select); coding-DNA position 1294, C replaced by G.
Protein change: p.Pro432Ala; replaces proline 432 with alanine.
Molecular consequence: missense variant.
Genome position (GRCh38, 1-based): chr16:88,428,764, C>G. VCF-style: chr16-88428764-C-G. GRCh37 (hg19) VCF-style: chr16-88495172-C-G.
Other names: NM_001127464.1:c.1294C>G; short protein forms P432A.
Identifiers: ClinVar variation 3987312 (VCV003987312.1).

ClinVar aggregate classification (germline): Uncertain significance (1 of 4 stars; one submission).

Conditions:
Cardiovascular phenotype. Identifiers: MedGen CN230736.

gnomAD v4.1: 1 of 1,545,432 alleles (0.000065%); highest among the groups gnomAD compares: Admixed American, 0.002%; no homozygotes.

Submission:

Ambry Genetics
Classification: Uncertain significance for Cardiovascular phenotype. Last evaluated: 2025-03-31. Review status: criteria provided, single submitter. Criteria: Ambry Variant Classification Scheme 2023. Collection method: clinical testing. Allele origin: germline.
Comment: The p.P432A variant (also known as c.1294C>G), located in coding exon 1 of the ZNF469 gene, results from a C to G substitution at nucleotide position 1294. The proline at codon 432 is replaced by alanine, an amino acid with highly similar properties. This amino acid position is conserved. In addition, this alteration is predicted to be tolerated by in silico analysis. Based on the available evidence, the clinical significance of this variant remains unclear.